The following is an entry in ClinVar:

ClinVar aggregate classification (germline): Uncertain significance. Review status: reviewed by expert panel (3 of 4 stars). 2 submissions from 2 submitters: Uncertain significance (1). 1 of the submissions does not count toward it. Last evaluated 2025-02-11.

Conditions:
Bernard Soulier syndrome (BSS). Also called: BLEEDING DISORDER, PLATELET-TYPE, 1; GLYCOPROTEIN Ib, PLATELET, DEFICIENCY OF; PLATELET GLYCOPROTEIN Ib DEFICIENCY; VON WILLEBRAND FACTOR RECEPTOR DEFICIENCY; Giant platelet syndrome; Hemorrhagiparous thrombocytic dystrophy. Identifiers: Orphanet 274, MedGen C0005129, MeSH D001606, MONDO:0009276, OMIM 231200.

gnomAD v4.1: 67 of 1,494,862 alleles (0.0045%); highest among the groups gnomAD compares: Non-Finnish European, 0.0056%; no homozygotes.

Submissions (2):

ClinGen Platelet Disorders Variant Curation Expert Panel, ClinGen
Classification: Uncertain significance for Bernard Soulier syndrome. Last evaluated: 2025-02-11. Review status: reviewed by expert panel. Criteria: ClinGen Platelet ACMG Specifications GP1BB V1.0.0. Collection method: curation. Allele origin: germline. Inheritance: Autosomal recessive inheritance.
Comment: The NM_000407.5:c.524T>C variant in GP1BB is a missense variant predicted to cause substitution of Leucine by Proline at amino acid 175. At least one patient (Patient K3 in PMID: 28064200, also referred to in BRIDGE database as TG0767 or RVV000000P) with this variant had an abnormal aggregation response to ristocetin but normal response to ADP, Collagen, Arachidonic Acid, and Epinephrine, which is highly specific for Bernard-Soulier syndrome. Additionally, the patient had reduced expression of GPIb (with CD42b marker), macrothrombocytopenia, and mild bleeding (i.e., menorrhagia) which is consistent with Bernard-Soulier syndrome (PP4). The computational predictor REVEL gives a score of 0.713, which is above the ClinGen PD VCEP threshold of >0.644 and predicts a damaging effect on function (PP3). The Grpmax filtering allele frequency in gnomaDv4.1 is 0.00004474 (based on 63/1124544 alleles) in the European (non-Finnish) population, which is below the <0.0000651678 threshold for PM2_supporting. In summary, this variant meets the criteria to be classified as VUS for autosomal recessive Bernard-Soulier syndrome based on the ACMG/AMP criteria applied, as specified by the ClinGen PD VCEP: PP4, PP3 and PM2_Supporting (VCEP specifications v1).

Blueprint Genetics
Classification: Uncertain significance. Last evaluated: 2022-04-04. Review status: criteria provided, single submitter. Criteria: ACMG Guidelines, 2015. Collection method: clinical testing. Allele origin: germline. Not counted in ClinVar's aggregate classification.

NM_000407.5(GP1BB):c.524T>C (p.Leu175Pro)

Genes: GP1BB (glycoprotein Ib platelet subunit beta; plus strand), SEPT5-GP1BB (SEPT5-GP1BB readthrough; plus strand). Cytogenetic location: 22q11.21.
Variant type: single nucleotide variant.
Coding change: c.524T>C on transcript NM_000407.5 (MANE Select); coding-DNA position 524, T replaced by C.
Protein change: p.Leu175Pro; replaces leucine 175 with proline.
Molecular consequence: missense variant. On other transcripts: non-coding transcript variant (2).
Genome position (GRCh38, 1-based): chr22:19,724,367, T>C. VCF-style: chr22-19724367-T-C. GRCh37 (hg19) VCF-style: chr22-19711890-T-C.
Other names: NM_000407.5:c.524T>C; short protein forms L175P.
Identifiers: ClinVar variation 3775058 (VCV003775058.2).